The following is an entry in ClinVar:

NM_177550.5(SLC13A5):c.-17A>C

Gene: SLC13A5 (solute carrier family 13 member 5; minus strand). Cytogenetic location: 17p13.1.
Variant type: single nucleotide variant.
Coding change: c.-17A>C on transcript NM_177550.5 (MANE Select); 17 bases upstream of the start codon, A replaced by C.
Molecular consequence: 5 prime UTR variant.
Genome position (GRCh38, 1-based): chr17:6,713,350, T>G on the plus strand (A>C on the coding strand, the complement: SLC13A5 is on the minus strand). VCF-style: chr17-6713350-T-G. GRCh37 (hg19) VCF-style: chr17-6616669-T-G.
Other names: c.-17A>C (NM_001143838.3, NM_001284509.2, NM_001284510.2).
Identifiers: ClinVar variation 380871 (VCV000380871.2), dbSNP rs62061545, ClinGen allele CA8331911.

ClinVar aggregate classification (germline): Benign. Review status: criteria provided, multiple submitters, no conflicts (2 of 4 stars). 2 submissions from 2 submitters: Benign (2). Last evaluated 2016-01-15.

Allele frequency attached by ClinVar (database versions not stated): 1000 Genomes Project 30x 0.01109; 1000 Genomes Project 0.01198; ESP Exome Variant Server 0.01784; gnomAD 0.01900 and 0.01928; TOPMed 0.02086; ExAC 0.02116.
gnomAD v4.1: 37,009 of 1,611,372 alleles (2.3%); highest among the groups gnomAD compares: Middle Eastern, 4.1%; 502 homozygotes.

Submissions (2):

GeneDx
Classification: Benign. Last evaluated: 2016-01-15. Review status: criteria provided, single submitter. Criteria: GeneDx Variant Classification (06012015). Collection method: clinical testing. Allele origin: germline. Affected: yes.
Comment: This variant is considered likely benign or benign based on one or more of the following criteria: it is a conservative change, it occurs at a poorly conserved position in the protein, it is predicted to be benign by multiple in silico algorithms, and/or has population frequency not consistent with disease.

Breakthrough Genomics
Classification: Benign. Review status: criteria provided, single submitter. Criteria: ACMG Guidelines, 2015. Collection method: not provided. Allele origin: germline. Inheritance: Autosomal recessive inheritance. Affected: yes.